The following is an entry in ClinVar:

NM_021096.4(CACNA1I):c.3295C>A (p.Pro1099Thr)

Gene: CACNA1I (calcium voltage-gated channel subunit alpha1 I; plus strand). Cytogenetic location: 22q13.1.
Variant type: single nucleotide variant.
Coding change: c.3295C>A on transcript NM_021096.4 (MANE Select); coding-DNA position 3295, C replaced by A.
Protein change: p.Pro1099Thr; replaces proline 1099 with threonine.
Molecular consequence: missense variant.
Genome position (GRCh38, 1-based): chr22:39,662,358, C>A. VCF-style: chr22-39662358-C-A. GRCh37 (hg19) VCF-style: chr22-40058363-C-A.
Other names: c.3190C>A, p.Pro1064Thr (NM_001003406.2); short protein forms P1064T, P1099T.
Identifiers: ClinVar variation 2579903 (VCV002579903.1), dbSNP rs1218874995, ClinGen allele CA411657352.

ClinVar aggregate classification (germline): Uncertain significance (1 of 4 stars; one submission).

Submission:

GeneDx
Classification: Uncertain significance. Last evaluated: 2023-03-17. Review status: criteria provided, single submitter. Criteria: GeneDx Variant Classification Process June 2021. Collection method: clinical testing. Allele origin: germline. Affected: yes.
Comment: Not observed at significant frequency in large population cohorts (gnomAD); In silico analysis supports that this missense variant has a deleterious effect on protein structure/function; Has not been previously published as pathogenic or benign to our knowledge